The following is an entry in ClinVar:

ClinVar aggregate classification (germline): Uncertain significance (1 of 4 stars; one submission).

Conditions:
DOCK6-related disorder. Also called: DOCK6-related condition.

Submission:

PreventionGenetics, part of Exact Sciences
Classification: Uncertain significance for DOCK6-related condition. Last evaluated: 2026-03-09. Review status: criteria provided, single submitter. Criteria: ACMG Guidelines, 2015. Collection method: clinical testing. Allele origin: germline.
Comment: The DOCK6 c.5688+5G>T variant is predicted to interfere with splicing. This variant is predicted to impact splicing by one available splicing prediction algorithm (SpliceAI, Jaganathan et al. 2019. PubMed ID: 30661751). To our knowledge, this variant has not been reported in the literature. This variant is absent from one large public population database (gnomAD), indicating that this variant is rare in the general population. At this time, the clinical significance of this variant is uncertain due to the absence of conclusive functional and genetic evidence.

NM_020812.4(DOCK6):c.5688+5G>T

Gene: DOCK6 (dedicator of cytokinesis 6; minus strand). Cytogenetic location: 19p13.2.
Variant type: single nucleotide variant.
Coding change: c.5688+5G>T on transcript NM_020812.4 (MANE Select); 5 bases into the intron after coding-DNA position 5688, G replaced by T.
Molecular consequence: intron variant.
Genome position (GRCh38, 1-based): chr19:11,201,884, C>A on the plus strand (G>T on the coding strand, the complement: DOCK6 is on the minus strand). VCF-style: chr19-11201884-C-A. GRCh37 (hg19) VCF-style: chr19-11312560-C-A.
Other names: c.5793+5G>T (NM_001367830.1).
Identifiers: ClinVar variation 4993666 (VCV004993666.1).